The following is an entry in ClinVar:

ClinVar aggregate classification (germline): Uncertain significance (1 of 4 stars; one submission).

Conditions:
Developmental and epileptic encephalopathy, 32 (DEE32). Also called: Epileptic encephalopathy, early infantile, 32. Identifiers: Orphanet 442835, MedGen C4225350, MONDO:0014607, OMIM 616366.

Allele frequency attached by ClinVar (database versions not stated): gnomAD exomes below 0.00001; gnomAD 0.00001; TOPMed 0.00001.
gnomAD v4.1: 2 of 1,614,018 alleles (0.00012%); highest among the groups gnomAD compares: African/African-American, 0.0027%; no homozygotes.

Submission:

Labcorp Genetics (formerly Invitae), Labcorp
Classification: Uncertain significance for Developmental and epileptic encephalopathy, 32. Last evaluated: 2023-08-17. Review status: criteria provided, single submitter. Criteria: Invitae Variant Classification Sherloc (09022015). Collection method: clinical testing. Allele origin: germline.
Comment: This sequence change replaces glycine, which is neutral and non-polar, with alanine, which is neutral and non-polar, at codon 249 of the KCNA2 protein (p.Gly249Ala). This variant is present in population databases (no rsID available, gnomAD 0.01%). This variant has not been reported in the literature in individuals affected with KCNA2-related conditions. Advanced modeling of protein sequence and biophysical properties (such as structural, functional, and spatial information, amino acid conservation, physicochemical variation, residue mobility, and thermodynamic stability) performed at Invitae indicates that this missense variant is not expected to disrupt KCNA2 protein function. In summary, the available evidence is currently insufficient to determine the role of this variant in disease. Therefore, it has been classified as a Variant of Uncertain Significance.

NM_004974.4(KCNA2):c.746G>C (p.Gly249Ala)

Gene: KCNA2 (potassium voltage-gated channel subfamily A member 2; minus strand). Cytogenetic location: 1p13.3.
Variant type: single nucleotide variant.
Coding change: c.746G>C on transcript NM_004974.4 (MANE Select); coding-DNA position 746, G replaced by C.
Protein change: p.Gly249Ala; replaces glycine 249 with alanine.
Molecular consequence: missense variant.
Genome position (GRCh38, 1-based): chr1:110,604,037, C>G on the plus strand (G>C on the coding strand, the complement: KCNA2 is on the minus strand). VCF-style: chr1-110604037-C-G. GRCh37 (hg19) VCF-style: chr1-111146659-C-G.
Other names: c.746G>C, p.Gly249Ala (NM_001204269.2); short protein forms G249A.
Identifiers: ClinVar variation 3022490 (VCV003022490.3), dbSNP rs1353017076, ClinGen allele CA341603293.